The following is an entry in ClinVar:

ClinVar aggregate classification (germline): Uncertain significance (1 of 4 stars; one submission).

Submission:

CeGaT Center for Human Genetics Tuebingen
Classification: Uncertain significance. Last evaluated: 2022-07-01. Review status: criteria provided, single submitter. Criteria: CeGaT Center For Human Genetics Tuebingen Variant Classification Criteria Version 2. Collection method: clinical testing. Allele origin: germline. Affected: yes. Observed: 1 variant allele.
Comment: NR6A1: PM2, PP3

NM_033334.4(NR6A1):c.242A>G (p.Lys81Arg)

Gene: NR6A1 (nuclear receptor subfamily 6 group A member 1; minus strand). Cytogenetic location: 9q33.3.
Variant type: single nucleotide variant.
Coding change: c.242A>G on transcript NM_033334.4 (MANE Select); coding-DNA position 242, A replaced by G.
Protein change: p.Lys81Arg; replaces lysine 81 with arginine.
Molecular consequence: missense variant.
Genome position (GRCh38, 1-based): chr9:124,554,471, T>C on the plus strand (A>G on the coding strand, the complement: NR6A1 is on the minus strand). VCF-style: chr9-124554471-T-C. GRCh37 (hg19) VCF-style: chr9-127316750-T-C.
Other names: c.230A>G, p.Lys77Arg (NM_001278546.2, NM_001489.5); c.242A>G, p.Lys81Arg (NM_001410996.1); short protein forms K77R, K81R.
Identifiers: ClinVar variation 2659495 (VCV002659495.24), dbSNP rs2538781687, ClinGen allele CA375148756.